The following is an entry in ClinVar:

ClinVar aggregate classification (germline): Uncertain significance (1 of 4 stars; one submission).

Submission:

GeneDx
Classification: Uncertain significance. Last evaluated: 2026-02-06. Review status: criteria provided, single submitter. Criteria: GeneDx Variant Classification Process June 2021. Collection method: clinical testing. Allele origin: germline.
Comment: Not observed at significant frequency in large population cohorts (gnomAD); In silico analysis supports a deleterious effect on protein structure/function; Has not been previously published as pathogenic or benign to our knowledge

NM_000719.7(CACNA1C):c.538_539delinsTT (p.Ala180Phe)

Gene: CACNA1C (calcium voltage-gated channel subunit alpha1 C; plus strand). Cytogenetic location: 12p13.33.
Variant type: Indel.
Coding change: c.538_539delinsTT on transcript NM_000719.7 (MANE Select); coding-DNA positions 538 to 539, GC replaced by TT.
Protein change: p.Ala180Phe; replaces alanine 180 with phenylalanine.
Molecular consequence: missense variant.
Genome position (GRCh38, 1-based): chr12:2,449,036-2,449,037, GC replaced by TT. VCF-style: chr12-2449036-GC-TT. GRCh37 (hg19) VCF-style: chr12-2558202-GC-TT.
Other names: c.538_539delGCinsTT, p.Ala180Phe (NM_000719.6); c.538_539delinsTT, p.Ala180Phe (NM_001129827.2, NM_001129829.2, NM_001129830.3 and 19 more transcripts); short protein forms A180F.
Identifiers: ClinVar variation 4976367 (VCV004976367.1).
Genomic context (GRCh38, chr12:2,449,036, plus strand): 5'-GAACGAGTGGAATATCTCTTTCTCATAATTTTTACGGTGGAAGCGTTTTTAAAAGTAATC[GC>TT]CTATGGACTCCTCTTTCACCCCAATGCCTACCTCCGCAACGGCTGGAACCTACTAGATTT-3'
Protein context (NP_000710.5, residues 170-190): FTVEAFLKVI[Ala180Phe]YGLLFHPNAY